The following is an entry in ClinVar:

ClinVar aggregate classification (germline): Uncertain significance (1 of 4 stars; one submission).

Conditions:
Hereditary cancer-predisposing syndrome. Also called: Tumor predisposition; Hereditary neoplastic syndrome; Neoplastic Syndromes, Hereditary; Hereditary Cancer Syndrome. Identifiers: Orphanet 140162, MedGen C0027672, MeSH D009386, MONDO:0015356.

Allele frequency attached by ClinVar (database versions not stated): gnomAD exomes below 0.00001.
gnomAD v4.1: 3 of 1,614,030 alleles (0.00019%); highest among the groups gnomAD compares: Non-Finnish European, 0.00025%; no homozygotes.

Submission:

Ambry Genetics
Classification: Uncertain significance for Hereditary cancer-predisposing syndrome. Last evaluated: 2019-09-04. Review status: criteria provided, single submitter. Criteria: Ambry Variant Classification Scheme 2023. Collection method: clinical testing. Allele origin: germline.
Comment: The p.I490V variant (also known as c.1468A>G), located in coding exon 12 of the MRE11A gene, results from an A to G substitution at nucleotide position 1468. The isoleucine at codon 490 is replaced by valine, an amino acid with highly similar properties. This amino acid position is not well conserved in available vertebrate species. In addition, this alteration is predicted to be tolerated by in silico analysis. Since supporting evidence is limited at this time, the clinical significance of this alteration remains unclear.

NM_005591.4(MRE11):c.1468A>G (p.Ile490Val)

Gene: MRE11 (MRE11 double strand break repair nuclease; minus strand). Cytogenetic location: 11q21.
Variant type: single nucleotide variant.
Coding change: c.1468A>G on transcript NM_005591.4 (MANE Select); coding-DNA position 1468, A replaced by G.
Protein change: p.Ile490Val; replaces isoleucine 490 with valine.
Molecular consequence: missense variant.
Genome position (GRCh38, 1-based): chr11:94,459,440, T>C on the plus strand (A>G on the coding strand, the complement: MRE11 is on the minus strand). VCF-style: chr11-94459440-T-C. GRCh37 (hg19) VCF-style: chr11-94192606-T-C.
Other names: c.1468A>G, p.Ile490Val (NM_005590.4, NM_001330347.2); short protein forms I490V.
Identifiers: ClinVar variation 819293 (VCV000819293.4), dbSNP rs1591672267, ClinGen allele CA382371729.
Genomic context (GRCh38, chr11:94,459,440, plus strand): 5'-GACCTAGACACTCAAATTAGTTACTTACCTCCTCATCGATTTTGTCTTCGAGGGCATCAA[T>C]ATGACGTTCTTTAAGAAATCGCTGTGTTTTTTCCAACTGGTATTTCACTAATTCCTCAAT-3'
Protein context (NP_005582.1, residues 480-500): KTQRFLKERH[Ile490Val]DALEDKIDEE